The following is an entry in ClinVar:

NM_006231.4(POLE):c.6331G>T (p.Val2111Leu)

Gene: POLE (DNA polymerase epsilon, catalytic subunit; minus strand). Cytogenetic location: 12q24.33.
Variant type: single nucleotide variant.
Coding change: c.6331G>T on transcript NM_006231.4 (MANE Select); coding-DNA position 6331, G replaced by T.
Protein change: p.Val2111Leu; replaces valine 2111 with leucine.
Molecular consequence: missense variant.
Genome position (GRCh38, 1-based): chr12:132,626,317, C>A on the plus strand (G>T on the coding strand, the complement: POLE is on the minus strand). VCF-style: chr12-132626317-C-A. GRCh37 (hg19) VCF-style: chr12-133202903-C-A.
Other names: c.6331G>T (NM_006231.2); short protein forms V2111L.
Identifiers: ClinVar variation 1400166 (VCV001400166.9), dbSNP rs1393355515, ClinGen allele CA387367924.

ClinVar aggregate classification (germline): Uncertain significance. Review status: criteria provided, multiple submitters, no conflicts (2 of 4 stars). 2 submissions from 2 submitters: Uncertain significance (2). Last evaluated 2026-03-02.

Conditions:
Hereditary cancer-predisposing syndrome. Also called: Hereditary neoplastic syndrome; Tumor predisposition; Neoplastic Syndromes, Hereditary; Hereditary Cancer Syndrome. Identifiers: Orphanet 140162, MedGen C0027672, MeSH D009386, MONDO:0015356.

Allele frequency attached by ClinVar (database versions not stated): gnomAD exomes below 0.00001.
gnomAD v4.1: 1 of 1,613,398 alleles (0.000062%); highest among the groups gnomAD compares: Non-Finnish European, 0.000085%; no homozygotes.

Submissions (2):

Ambry Genetics
Classification: Uncertain significance for Hereditary cancer-predisposing syndrome. Last evaluated: 2026-03-02. Review status: criteria provided, single submitter. Criteria: Ambry Variant Classification Scheme 2023. Collection method: clinical testing. Allele origin: germline.
Comment: The p.V2111L variant (also known as c.6331G>T) is located in coding exon 46 of the POLE gene. The valine at codon 2111 is replaced by leucine, an amino acid with highly similar properties. This change occurs in the first base pair of coding exon 46. This amino acid position is highly conserved in available vertebrate species. In addition, the in silico prediction for this alteration is inconclusive. Based on the available evidence, the clinical significance of this variant remains unclear.

Labcorp Genetics (formerly Invitae), Labcorp
Classification: Uncertain significance. Last evaluated: 2024-11-12. Review status: criteria provided, single submitter. Criteria: Invitae Variant Classification Sherloc (09022015). Collection method: clinical testing. Allele origin: germline.
Comment: This sequence change replaces valine, which is neutral and non-polar, with leucine, which is neutral and non-polar, at codon 2111 of the POLE protein (p.Val2111Leu). This variant is present in population databases (no rsID available, gnomAD 0.0009%). This variant has not been reported in the literature in individuals affected with POLE-related conditions. ClinVar contains an entry for this variant (Variation ID: 1400166). An algorithm developed to predict the effect of missense changes on protein structure and function (PolyPhen-2) suggests that this variant is likely to be tolerated. In summary, the available evidence is currently insufficient to determine the role of this variant in disease. Therefore, it has been classified as a Variant of Uncertain Significance.